The following is an entry in ClinVar:

NM_000808.4(GABRA3):c.1371A>C (p.Lys457Asn)

Gene: GABRA3 (gamma-aminobutyric acid type A receptor subunit alpha3; minus strand). Cytogenetic location: Xq28.
Variant type: single nucleotide variant.
Coding change: c.1371A>C on transcript NM_000808.4 (MANE Select); coding-DNA position 1371, A replaced by C.
Protein change: p.Lys457Asn; replaces lysine 457 with asparagine.
Molecular consequence: missense variant.
Genome position (GRCh38, 1-based): chrX:152,168,336, T>G on the plus strand (A>C on the coding strand, the complement: GABRA3 is on the minus strand). VCF-style: chrX-152168336-T-G. GRCh37 (hg19) VCF-style: chrX-151336808-T-G.
Other names: short protein forms K457N.
Identifiers: ClinVar variation 3377352 (VCV003377352.1).
Genomic context (GRCh38, chrX:152,168,336, plus strand): 5'-TGTGGCCCAATAGACCAGATTGAATATGGCAAAGAGCACAGGAAAGATGATGCGGGAAAT[T>G]TTGTCAACCTTGCTGACACTGTTGTAGGTCTTGGTCTCAGTCGGGCTGTCCTGCACGTAG-3'
Protein context (NP_000799.1, residues 447-467): KTYNSVSKVD[Lys457Asn]ISRIIFPVLF

ClinVar aggregate classification (germline): Uncertain significance (1 of 4 stars; one submission).

Conditions:
Epilepsy, X-linked 2, with or without impaired intellectual development and dysmorphic features (EPILX2). Identifiers: MedGen C5774178, MONDO:0859564, OMIM 301091.

gnomAD v4.1: 1 of 1,210,982 alleles (0.000083%); highest among the groups gnomAD compares: Non-Finnish European, 0.00011%; no homozygotes.

Submission:

Victorian Clinical Genetics Services, Murdoch Childrens Research Institute
Classification: Uncertain significance for Epilepsy, X-linked 2, with or without impaired intellectual development and dysmorphic features. Last evaluated: 2024-10-09. Review status: criteria provided, single submitter. Criteria: ACMG Guidelines, 2015. Collection method: clinical testing. Allele origin: germline. Inheritance: X-linked inheritance. Affected: yes.
Comment: Based on the classification scheme VCGS_Germline_v1.3.4, this variant is classified as VUS-3B. Following criteria are met: 0102 - Loss of function is a known mechanism of disease in this gene and is associated with epilepsy, X-linked 2, with or without impaired intellectual development and dysmorphic features (MIM#301091). (I) 0110 - This gene is associated with X-linked disease. Males are more severely affected and there have been reports of asymptomatic female carriers (PMID: 29053855). (I) 0200 - Variant is predicted to result in a missense amino acid change from lysine to asparagine. (I) 0253 - This variant is hemizygous. (I) 0302 - Variant is present in gnomAD (v4) <0.001 (1 heterozygote, 0 homozygotes, 0 hemizygotes). (SP) 0309 - An alternative amino acid change at the same position has been observed in gnomAD (v4) (1 heterozygotes, 0 homozygotes, 1 hemizygote). (I) 0502 - Missense variant with conflicting in silico predictions and uninformative conservation. (I) 0600 - Variant is located in the annotated neurotransmitter-gated ion-channel transmembrane domain (DECIPHER). (I) 0705 - No comparable missense variants have previous evidence for pathogenicity. (I) 0807 - This variant has no previous evidence of pathogenicity. (I) 0905 - No published segregation evidence has been identified for this variant. (I) 1007 - No published functional evidence has been identified for this variant. (I) Legend: (SP) - Supporting pathogenic, (I) - Information, (SB) - Supporting benign

Literature cited by the submitters: PubMed 29053855.